The following is an entry in ClinVar:

NM_000202.8(IDS):c.103G>C (p.Asp35His)

Gene: IDS (iduronate 2-sulfatase; minus strand). Cytogenetic location: Xq28.
Variant type: single nucleotide variant.
Coding change: c.103G>C on transcript NM_000202.8 (MANE Select); coding-DNA position 103, G replaced by C.
Protein change: p.Asp35His; replaces aspartic acid 35 with histidine.
Molecular consequence: missense variant. On other transcripts: 5 prime UTR variant (1), non-coding transcript variant (1).
Genome position (GRCh38, 1-based): chrX:149,505,035, C>G on the plus strand (G>C on the coding strand, the complement: IDS is on the minus strand). VCF-style: chrX-149505035-C-G. GRCh37 (hg19) VCF-style: chrX-148586565-C-G.
Other names: p.Asp35His; c.-124G>C (NM_001166550.4); c.103G>C, p.Asp35His (NM_006123.5); short protein forms D35H.
Identifiers: ClinVar variation 988665 (VCV000988665.4), dbSNP rs2089514224, ClinGen allele CA414528115.
Genomic context (GRCh38, chrX:149,505,035, plus strand): 5'-AAGGAGGAAGGAAGGGAGGGAGGAAGGGAGAAGAGATGGCAGGGAGGGCGTGGGCGGCAC[C>G]TGTGGTCGAGTTGGCCTGCGTTTCGGATCCGAGGGCGACGCAGACGGAGCTCAGAACCAG-3'
Protein context (NP_000193.1, residues 25-45): GSETQANSTT[Asp35His]ALNVLLIIVD

ClinVar aggregate classification (germline): Likely pathogenic. Review status: criteria provided, multiple submitters, no conflicts (2 of 4 stars). 3 submissions from 3 submitters: Likely pathogenic (2). 1 of the submissions does not count toward it. Last evaluated 2024-06-07.

Conditions:
Mucopolysaccharidosis, MPS-II (MPS2). Also called: IDS deficiency; Sulfoiduronate sulfatase deficiency; SIDS deficiency; Mucopolysaccharidosis type 2; Mucopolysaccharidosis Type II; Attenuated MPS (subtype; formerly known as mild MPS II). Identifiers: Orphanet 580, Orphanet 79388, MedGen C0026705, MONDO:0010674, OMIM 309900.

Submissions (3):

Laboratory of Diagnosis and Therapy of Lysosomal Disorders, University of Padova
Classification: Likely pathogenic for Mucopolysaccharidosis, MPS-II. Last evaluated: 2024-06-07. Review status: criteria provided, single submitter. Criteria: ACMG Guidelines, 2015. Collection method: literature only. Allele origin: germline. Affected: yes. Observed: 2 variant alleles.
Comment: Absent from controls (or at low frequency) in gnomAD database (PM2_Moderate), Missense variant in a gene with a low rate of benign missense variation (PP2_Supporting), Patient’s phenotype or family history highly specific for the disease (PP4_Strong), Multiple lines of computational evidence suggest no impact on gene or gene product (BP4_Supporting)

Classification method: ACMG Guidelines [PMID:25741868] with modifications

Mayo Clinic Laboratories, Mayo Clinic
Classification: Likely pathogenic. Last evaluated: 2023-11-06. Review status: criteria provided, single submitter. Criteria: ACMG Guidelines, 2015. Collection method: clinical testing. Allele origin: germline. Observed: 1 variant allele.
Comment: PP1, PP3, PP4, PM2_moderate, PS3_supporting

Laboratory of Inherited Metabolic Diseases, Research centre for medical genetics
Classification: Pathogenic for Mucopolysaccharidosis, type II; MPS2. Review status: no assertion criteria provided. Collection method: research. Allele origin: germline. Affected: yes. Not counted in ClinVar's aggregate classification.

Literature cited by the submitters: PubMed 33676511 (cited by Laboratory of Diagnosis and Therapy of Lysosomal Disorders, University of Padova and Mayo Clinic Laboratories, Mayo Clinic).